The following is an entry in ClinVar:

NM_001256789.3(CACNA1F):c.4984C>T (p.Arg1662Trp)

Gene: CACNA1F (calcium voltage-gated channel subunit alpha1 F; minus strand). Cytogenetic location: Xp11.23.
Variant type: single nucleotide variant.
Coding change: c.4984C>T on transcript NM_001256789.3 (MANE Select); coding-DNA position 4984, C replaced by T.
Protein change: p.Arg1662Trp; replaces arginine 1662 with tryptophan.
Molecular consequence: missense variant.
Genome position (GRCh38, 1-based): chrX:49,208,654, G>A on the plus strand (C>T on the coding strand, the complement: CACNA1F is on the minus strand). VCF-style: chrX-49208654-G-A. GRCh37 (hg19) VCF-style: chrX-49065114-G-A.
Other names: c.4822C>T, p.Arg1608Trp (NM_001256790.3); c.5017C>T, p.Arg1673Trp (NM_005183.4); short protein forms R1608W, R1662W, R1673W.
Identifiers: ClinVar variation 3612668 (VCV003612668.2).
Genomic context (GRCh38, chrX:49,208,654, plus strand): 5'-AGGAGAGTGAATCTGGAAGTCTGTCCCCGACAGGCAGAGACACAGAAATCCCGGAGCCCC[G>A]GCGAGCTGAGGGCTGGGAGACCATCGTGGCCTGTGGAGAGTCACAGGACTGAGTGTTGCA-3'
Protein context (NP_001243718.1, residues 1652-1672): ATMVSQPSAR[Arg1662Trp]GSGISVSLPV

ClinVar aggregate classification (germline): Uncertain significance (1 of 4 stars; one submission).

Submission:

Labcorp Genetics (formerly Invitae), Labcorp
Classification: Uncertain significance. Last evaluated: 2024-03-27. Review status: criteria provided, single submitter. Criteria: Invitae Variant Classification Sherloc (09022015). Collection method: clinical testing. Allele origin: germline.
Comment: This sequence change replaces arginine, which is basic and polar, with tryptophan, which is neutral and slightly polar, at codon 1673 of the CACNA1F protein (p.Arg1673Trp). The frequency data for this variant in the population databases is considered unreliable, as metrics indicate poor data quality at this position in the gnomAD database. This variant has not been reported in the literature in individuals affected with CACNA1F-related conditions. Algorithms developed to predict the effect of missense changes on protein structure and function output the following: SIFT: "Not Available"; PolyPhen-2: "Benign"; Align-GVGD: "Not Available". The tryptophan amino acid residue is found in multiple mammalian species, which suggests that this missense change does not adversely affect protein function. In summary, the available evidence is currently insufficient to determine the role of this variant in disease. Therefore, it has been classified as a Variant of Uncertain Significance.